The following is an entry in ClinVar:

NM_194248.3(OTOF):c.2214G>A (p.Leu738=)

Gene: OTOF (otoferlin; minus strand). Cytogenetic location: 2p23.3.
Variant type: single nucleotide variant.
Coding change: c.2214G>A on transcript NM_194248.3 (MANE Select); coding-DNA position 2214, G replaced by A.
Protein change: p.Leu738=; no amino-acid change (leucine 738 retained).
Molecular consequence: synonymous variant.
Genome position (GRCh38, 1-based): chr2:26,479,264, C>T on the plus strand (G>A on the coding strand, the complement: OTOF is on the minus strand). VCF-style: chr2-26479264-C-T. GRCh37 (hg19) VCF-style: chr2-26702132-C-T.
Other names: c.2214G>A, p.Leu738= (NM_001287489.2).
Identifiers: ClinVar variation 4704705 (VCV004704705.1).

ClinVar aggregate classification (germline): Uncertain significance (1 of 4 stars; one submission).

gnomAD v4.1: 2 of 1,612,622 alleles (0.00012%); highest among the groups gnomAD compares: Non-Finnish European, 0.00017%; no homozygotes.

Submission:

Labcorp Genetics (formerly Invitae), Labcorp
Classification: Uncertain significance. Last evaluated: 2025-08-24. Review status: criteria provided, single submitter. Criteria: Invitae Variant Classification Sherloc (09022015). Collection method: clinical testing. Allele origin: germline.
Comment: This sequence change affects codon 738 of the OTOF mRNA. It is a 'silent' change, meaning that it does not change the encoded amino acid sequence of the OTOF protein. This variant also falls at the last nucleotide of exon 18, which is part of the consensus splice site for this exon. This variant is not present in population databases (gnomAD no frequency). This variant has not been reported in the literature in individuals affected with OTOF-related conditions. Variants that disrupt the consensus splice site are a relatively common cause of aberrant splicing (PMID: 17576681, 9536098). Algorithms developed to predict the effect of sequence changes on RNA splicing suggest that this variant may disrupt the consensus splice site. In summary, the available evidence is currently insufficient to determine the role of this variant in disease. Therefore, it has been classified as a Variant of Uncertain Significance.

Literature cited by the submitters: PubMed 17576681; PubMed 9536098.